The following is an entry in ClinVar:

NM_003361.4(UMOD):c.422A>G (p.Tyr141Cys)

Gene: UMOD (uromodulin; minus strand). Cytogenetic location: 16p12.3.
Variant type: single nucleotide variant.
Coding change: c.422A>G on transcript NM_003361.4 (MANE Select); coding-DNA position 422, A replaced by G.
Protein change: p.Tyr141Cys; replaces tyrosine 141 with cysteine.
Molecular consequence: missense variant. On other transcripts: non-coding transcript variant (1).
Genome position (GRCh38, 1-based): chr16:20,348,879, T>C on the plus strand (A>G on the coding strand, the complement: UMOD is on the minus strand). VCF-style: chr16-20348879-T-C. GRCh37 (hg19) VCF-style: chr16-20360201-T-C.
Other names: c.422A>G, p.Tyr141Cys (NM_001008389.3, NM_001378232.1, NM_001378233.1 and 3 more transcripts); c.521A>G, p.Tyr174Cys (NM_001278614.2); short protein forms Y141C, Y174C.
Identifiers: ClinVar variation 4856376 (VCV004856376.1).
Genomic context (GRCh38, chr16:20,348,879, plus strand): 5'-CAGTCCAACCCCGGCCCGCAGGAGCCCGGGGAGCACTCACAGTGCCATCCATCCCCCCGG[T>C]AGCCCGCGGGGCATACGCACAAGTAGCTGCCCACCACATTGACACATGTGGCCAGGGCGT-3'
Protein context (NP_003352.2, residues 131-151): GSYLCVCPAG[Tyr141Cys]RGDGWHCECS

ClinVar aggregate classification (germline): Uncertain significance (1 of 4 stars; one submission).

Conditions:
Familial juvenile hyperuricemic nephropathy type 1 (ADTKD1). Also called: Autosomal Dominant Tubulointerstitial Kidney Disease – UMOD; UMOD-Associated Kidney Disease; Uromodulin-associated kidney disease; Glomerulocystic kidney disease with hyperuricemia and isosthenuria; Medullary cystic kidney disease 2. Identifiers: Orphanet 209886, Orphanet 34149, Orphanet 88950, MedGen C4551496, MONDO:0008073, OMIM 162000.

Submission:

3billion
Classification: Uncertain significance for Familial juvenile hyperuricemic nephropathy type 1. Last evaluated: 2025-12-29. Review status: criteria provided, single submitter. Criteria: ACMG Guidelines, 2015. Collection method: clinical testing. Allele origin: germline. Affected: yes.
Comment: The variant is not observed in the gnomAD v4.1.0 dataset. Predicted Consequence/Location: Missense variant. Missense changes are a common disease-causing mechanism. In silico tool predictions suggest damaging effect of the variant on gene or gene product [REVEL: 0.75 (>=0.6, sensitivity 0.68 and specificity 0.92)]. Therefore, this variant is classified as VUS according to the recommendation of ACMG/AMP guideline.